The following is an entry in ClinVar:

ClinVar aggregate classification (germline): Uncertain significance (1 of 4 stars; one submission).

Conditions:
Hereditary cancer-predisposing syndrome. Also called: Neoplastic Syndromes, Hereditary; Tumor predisposition; Hereditary Cancer Syndrome; Hereditary neoplastic syndrome. Identifiers: Orphanet 140162, MedGen C0027672, MeSH D009386, MONDO:0015356.

Submission:

Ambry Genetics
Classification: Uncertain significance for Hereditary cancer-predisposing syndrome. Last evaluated: 2019-03-19. Review status: criteria provided, single submitter. Criteria: Ambry Variant Classification Scheme 2023. Collection method: clinical testing. Allele origin: germline.
Comment: The p.W699G variant (also known as c.2095T>G), located in coding exon 15 of the APC gene, results from a T to G substitution at nucleotide position 2095. The tryptophan at codon 699 is replaced by glycine, an amino acid with highly dissimilar properties. This amino acid position is highly conserved in available vertebrate species. In addition, in silico predictors for this gene do not accurately predict pathogenicity. Since supporting evidence is limited at this time, the clinical significance of this alteration remains unclear.

NM_000038.6(APC):c.2095T>G (p.Trp699Gly)

Gene: APC (APC regulator of Wnt signaling pathway; plus strand). Cytogenetic location: 5q22.2.
Variant type: single nucleotide variant.
Coding change: c.2095T>G on transcript NM_000038.6 (MANE Select); coding-DNA position 2095, T replaced by G.
Protein change: p.Trp699Gly; replaces tryptophan 699 with glycine.
Molecular consequence: missense variant.
Genome position (GRCh38, 1-based): chr5:112,837,689, T>G. VCF-style: chr5-112837689-T-G. GRCh37 (hg19) VCF-style: chr5-112173386-T-G.
Other names: c.2095T>G, p.Trp699Gly (NM_001127510.3, NM_001354895.2); c.2041T>G, p.Trp681Gly (NM_001127511.3); c.2149T>G, p.Trp717Gly (NM_001354896.2); c.2125T>G, p.Trp709Gly (NM_001354897.2); c.2020T>G, p.Trp674Gly (NM_001354898.2); c.2011T>G, p.Trp671Gly (NM_001354899.2); c.1972T>G, p.Trp658Gly (NM_001354900.2); c.1918T>G, p.Trp640Gly (NM_001354901.2); and 5 more; short protein forms W416G, W699G, W573G, W640G, W671G, W674G, W539G, W598G.
Identifiers: ClinVar variation 820703 (VCV000820703.4), dbSNP rs1580618174, ClinGen allele CA16025906.